The following is an entry in ClinVar:

NM_002180.3(IGHMBP2):c.2035C>T (p.Arg679Trp)

Gene: IGHMBP2 (immunoglobulin mu DNA binding protein 2; plus strand). Cytogenetic location: 11q13.3.
Variant type: single nucleotide variant.
Coding change: c.2035C>T on transcript NM_002180.3 (MANE Select); coding-DNA position 2035, C replaced by T.
Protein change: p.Arg679Trp; replaces arginine 679 with tryptophan.
Molecular consequence: missense variant.
Genome position (GRCh38, 1-based): chr11:68,936,515, C>T. VCF-style: chr11-68936515-C-T. GRCh37 (hg19) VCF-style: chr11-68703983-C-T.
Other names: short protein forms R679W.
Identifiers: ClinVar variation 576574 (VCV000576574.9), dbSNP rs371157210, ClinGen allele CA6153830.

ClinVar aggregate classification (germline): Uncertain significance. Review status: criteria provided, multiple submitters, no conflicts (2 of 4 stars). 3 submissions from 3 submitters: Uncertain significance (3). Last evaluated 2025-06-07.

Conditions:
Inborn genetic diseases. Identifiers: MedGen C0950123, MeSH D030342.
Charcot-Marie-Tooth disease axonal type 2S. Also called: CHARCOT-MARIE-TOOTH NEUROPATHY, TYPE 2S; CHARCOT-MARIE-TOOTH DISEASE, AXONAL, AUTOSOMAL RECESSIVE, TYPE 2S. Identifiers: Orphanet 443073, MedGen C4015349, MONDO:0014511, OMIM 616155.
Autosomal recessive distal spinal muscular atrophy 1. Also called: SEVERE INFANTILE AXONAL NEUROPATHY WITH RESPIRATORY FAILURE; SPINAL MUSCULAR ATROPHY, DIAPHRAGMATIC; Spinal muscular atrophy with respiratory distress 1; HMN VI; NEURONOPATHY, SEVERE INFANTILE AXONAL, WITH RESPIRATORY FAILURE; NEURONOPATHY, DISTAL HEREDITARY MOTOR, HARDING TYPE VI. Identifiers: Orphanet 98920, MedGen C1858517, MONDO:0011436, OMIM 604320.

Allele frequency attached by ClinVar (database versions not stated): TOPMed 0.00002; gnomAD 0.00003 and 0.00004; gnomAD exomes 0.00003; ExAC 0.00004; ESP Exome Variant Server 0.00008.
gnomAD v4.1: 26 of 1,613,442 alleles (0.0016%); highest among the groups gnomAD compares: Middle Eastern, 0.016%; no homozygotes.

Submissions (3):

Ambry Genetics
Classification: Uncertain significance for Inborn genetic diseases. Last evaluated: 2025-06-07. Review status: criteria provided, single submitter. Criteria: Ambry Variant Classification Scheme 2023. Collection method: clinical testing. Allele origin: germline.

Labcorp Genetics (formerly Invitae), Labcorp
Classification: Uncertain significance for Autosomal recessive distal spinal muscular atrophy 1; Charcot-Marie-Tooth disease axonal type 2S. Last evaluated: 2022-03-05. Review status: criteria provided, single submitter. Criteria: Invitae Variant Classification Sherloc (09022015). Collection method: clinical testing. Allele origin: germline.
Comment: This sequence change replaces arginine, which is basic and polar, with tryptophan, which is neutral and slightly polar, at codon 679 of the IGHMBP2 protein (p.Arg679Trp). This variant is present in population databases (rs371157210, gnomAD 0.01%). This variant has not been reported in the literature in individuals affected with IGHMBP2-related conditions. ClinVar contains an entry for this variant (Variation ID: 576574). Advanced modeling of protein sequence and biophysical properties (such as structural, functional, and spatial information, amino acid conservation, physicochemical variation, residue mobility, and thermodynamic stability) performed at Invitae indicates that this missense variant is not expected to disrupt IGHMBP2 protein function. In summary, the available evidence is currently insufficient to determine the role of this variant in disease. Therefore, it has been classified as a Variant of Uncertain Significance.

GeneDx
Classification: Uncertain significance. Last evaluated: 2020-01-28. Review status: criteria provided, single submitter. Criteria: GeneDx Variant Classification Process June 2021. Collection method: clinical testing. Allele origin: germline. Affected: yes.
Comment: Not observed at a significant frequency in large population cohorts (Lek et al., 2016); In silico analysis, which includes protein predictors and evolutionary conservation, supports that this variant does not alter protein structure/function; Has not been previously published as pathogenic or benign to our knowledge